The following is an entry in ClinVar:

NM_018406.7(MUC4):c.9969A>C (p.Thr3323=)

Gene: MUC4 (mucin 4, cell surface associated). Cytogenetic location: 3q29.
Variant type: single nucleotide variant.
Coding change: c.9969A>C on transcript NM_018406.7 (MANE Select); coding-DNA position 9969, A replaced by C.
Protein change: p.Thr3323=; no amino-acid change (threonine 3323 retained).
Molecular consequence: synonymous variant. On other transcripts: genic upstream transcript variant (2).
Genome position (GRCh38, 1-based): chr3:195,781,611, T>G on the plus strand (A>C on the coding strand, the complement: MUC4 is on the minus strand). VCF-style: chr3-195781611-T-G. GRCh37 (hg19) VCF-style: chr3-195508482-T-G.
Other names: c.14739A>C, p.Thr4913= (NM_001322468.1); c.83-7306A>C (NM_138297.5); c.83-3156A>C (NM_004532.6).
Identifiers: ClinVar variation 3234331 (VCV003234331.20), dbSNP rs200195189, ClinGen allele CA2770600.

ClinVar aggregate classification (germline): Likely benign (1 of 4 stars; one submission).

Allele frequency attached by ClinVar (database versions not stated): ExAC 0.00007.

Submission:

CeGaT Center for Human Genetics Tuebingen
Classification: Likely benign. Last evaluated: 2025-07-01. Review status: criteria provided, single submitter. Criteria: CeGaT Center For Human Genetics Tuebingen Variant Classification Criteria Version 2. Collection method: clinical testing. Allele origin: germline. Affected: yes. Observed: 2 variant alleles.
Comment: MUC4: BP4, BP7